The following is an entry in ClinVar:

ClinVar aggregate classification (germline): Uncertain significance. Review status: criteria provided, multiple submitters, no conflicts (2 of 4 stars). 3 submissions from 2 submitters: Uncertain significance (3). Last evaluated 2025-03-31.

Conditions:
Vitreoretinopathy. Also called: Vitreoretinal degeneration. Identifiers: MedGen C0344290, MONDO:0020248, HP:0007773.
Wagner disease. Also called: WAGNER VITREORETINAL DEGENERATION; WAGNER VITREORETINOPATHY; Wagner Vitreoretinal Degeneration (Wagner Synrdome); WAGNER SYNDROME 1; HYALOIDEORETINAL DEGENERATION OF WAGNER; Wagner syndrome. Identifiers: Orphanet 898, MedGen C1840452, MONDO:0007740, OMIM 143200.

Allele frequency attached by ClinVar (database versions not stated): ExAC 0.00001; gnomAD 0.00001; gnomAD exomes 0.00002; TOPMed 0.00002.
gnomAD v4.1: 36 of 1,613,936 alleles (0.0022%); highest among the groups gnomAD compares: Non-Finnish European, 0.0027%; no homozygotes.

Submissions (3):

Labcorp Genetics (formerly Invitae), Labcorp
Classification: Uncertain significance. Last evaluated: 2025-03-31. Review status: criteria provided, single submitter. Criteria: Invitae Variant Classification Sherloc (09022015). Collection method: clinical testing. Allele origin: germline.
Comment: This sequence change replaces glycine, which is neutral and non-polar, with aspartic acid, which is acidic and polar, at codon 914 of the VCAN protein (p.Gly914Asp). This variant is present in population databases (rs200429289, gnomAD 0.003%). This variant has not been reported in the literature in individuals affected with VCAN-related conditions. ClinVar contains an entry for this variant (Variation ID: 903869). An algorithm developed to predict the effect of missense changes on protein structure and function outputs the following: PolyPhen-2: "Benign". The aspartic acid amino acid residue is found in multiple mammalian species, which suggests that this missense change does not adversely affect protein function. In summary, the available evidence is currently insufficient to determine the role of this variant in disease. Therefore, it has been classified as a Variant of Uncertain Significance.

Illumina Laboratory Services, Illumina
Classification: Uncertain significance for Wagner disease. Last evaluated: 2018-01-13. Review status: criteria provided, single submitter. Criteria: ICSL Variant Classification Criteria 13 December 2019. Collection method: clinical testing. Allele origin: germline.

Illumina Laboratory Services, Illumina
Classification: Uncertain significance for Vitreoretinopathy. Last evaluated: 2018-01-13. Review status: criteria provided, single submitter. Criteria: ICSL Variant Classification Criteria 13 December 2019. Collection method: clinical testing. Allele origin: germline.

NM_004385.5(VCAN):c.2741G>A (p.Gly914Asp)

Gene: VCAN (versican; plus strand). Cytogenetic location: 5q14.3.
Variant type: single nucleotide variant.
Coding change: c.2741G>A on transcript NM_004385.5 (MANE Select); coding-DNA position 2741, G replaced by A.
Protein change: p.Gly914Asp; replaces glycine 914 with aspartic acid.
Molecular consequence: missense variant. On other transcripts: intron variant (2).
Genome position (GRCh38, 1-based): chr5:83,521,047, G>A. VCF-style: chr5-83521047-G-A. GRCh37 (hg19) VCF-style: chr5-82816866-G-A.
Other names: c.2741G>A, p.Gly914Asp (NM_001164098.2); c.1042+8651G>A (NM_001164097.2, NM_001126336.3); short protein forms G914D.
Identifiers: ClinVar variation 903869 (VCV000903869.9), dbSNP rs200429289, ClinGen allele CA3332887.